The following is an entry in ClinVar:

NM_006269.2(RP1):c.5331TAA[1] (p.Asn1779del)

Genes: RP1 (RP1 axonemal microtubule associated; plus strand), LOC126860392 (CDK7 strongly-dependent group 2 enhancer GRCh37_chr8:55541319-55542518; plus strand). Cytogenetic location: 8q12.1.
Variant type: Microsatellite.
Coding change: c.5331TAA[1] on transcript NM_006269.2 (MANE Select); one copy of the 3-base unit TAA starting at c.5331; the reference has two copies in a row; one copy, 3 bases deleted.
Protein change: p.Asn1779del; deletes asparagine 1779.
Molecular consequence: inframe deletion. On other transcripts: intron variant (1).
Genome position (GRCh38, 1-based): chr8:54,629,216-54,629,218, TAA deleted; deleting any 3 consecutive bases within chr8:54,629,212-54,629,218 gives the same sequence; the position shown is the placement nearest the transcript's 3' end. VCF-style (leftmost placement, unchanged base first): chr8-54629211-GATA-G. GRCh37 (hg19) VCF-style: chr8-55541771-GATA-G.
Other names: c.787+6928_787+6930del (NM_001375654.1); short protein forms N1779del.
Identifiers: ClinVar variation 3607759 (VCV003607759.3).

ClinVar aggregate classification (germline): Uncertain significance. Review status: criteria provided, multiple submitters, no conflicts (2 of 4 stars). 2 submissions from 2 submitters: Uncertain significance (2). Last evaluated 2025-11-13.

Submissions (2):

Labcorp Genetics (formerly Invitae), Labcorp
Classification: Uncertain significance. Last evaluated: 2025-11-13. Review status: criteria provided, single submitter. Criteria: Invitae Variant Classification Sherloc (09022015). Collection method: clinical testing. Allele origin: germline.
Comment: This variant, c.5334_5336del, results in the deletion of 1 amino acid(s) of the RP1 protein (p.Asn1779del), but otherwise preserves the integrity of the reading frame. This variant is present in population databases (no rsID available, gnomAD 0.0009%). This variant has not been reported in the literature in individuals affected with RP1-related conditions. Experimental studies and prediction algorithms are not available or were not evaluated, and the functional significance of this variant is currently unknown. In summary, the available evidence is currently insufficient to determine the role of this variant in disease. Therefore, it has been classified as a Variant of Uncertain Significance.

Blueprint Genetics
Classification: Uncertain significance. Last evaluated: 2024-11-25. Review status: criteria provided, single submitter. Criteria: ACMG Guidelines, 2015. Collection method: clinical testing. Allele origin: germline.